The following is an entry in ClinVar:

NM_001244710.2(GFPT1):c.7+239T>C

Gene: GFPT1 (glutamine--fructose-6-phosphate transaminase 1; minus strand). Cytogenetic location: 2p13.3.
Variant type: single nucleotide variant.
Coding change: c.7+239T>C on transcript NM_001244710.2 (MANE Select); 239 bases into the intron after coding-DNA position 7, T replaced by C.
Molecular consequence: intron variant.
Genome position (GRCh38, 1-based): chr2:69,386,826, A>G on the plus strand (T>C on the coding strand, the complement: GFPT1 is on the minus strand). VCF-style: chr2-69386826-A-G. GRCh37 (hg19) VCF-style: chr2-69613958-A-G.
Other names: c.7+239T>C (NM_002056.4).
Identifiers: ClinVar variation 681303 (VCV000681303.1), dbSNP rs6738707, ClinGen allele CA11154524.

ClinVar aggregate classification (germline): Benign (1 of 4 stars; one submission).

Allele frequency attached by ClinVar (database versions not stated): 1000 Genomes Project 0.66394; gnomAD 0.66657 and 0.67430; 1000 Genomes Project 30x 0.67052; TOPMed 0.67354.
gnomAD v4.1: 101,283 of 152,044 alleles (67%); highest among the groups gnomAD compares: African/African-American, 90%; 35,402 homozygotes.

Submission:

GeneDx
Classification: Benign. Last evaluated: 2018-06-16. Review status: criteria provided, single submitter. Criteria: GeneDx Variant Classification (06012015). Collection method: clinical testing. Allele origin: germline. Affected: yes.
Comment: This variant is considered likely benign or benign based on one or more of the following criteria: it is a conservative change, it occurs at a poorly conserved position in the protein, it is predicted to be benign by multiple in silico algorithms, and/or has population frequency not consistent with disease.